The following is an entry in ClinVar:

NM_152617.4(RNF168):c.792A>G (p.Pro264=)

Gene: RNF168 (ring finger protein 168; minus strand). Cytogenetic location: 3q29.
Variant type: single nucleotide variant.
Coding change: c.792A>G on transcript NM_152617.4 (MANE Select); coding-DNA position 792, A replaced by G.
Protein change: p.Pro264=; no amino-acid change (proline 264 retained).
Molecular consequence: synonymous variant.
Genome position (GRCh38, 1-based): chr3:196,472,743, T>C on the plus strand (A>G on the coding strand, the complement: RNF168 is on the minus strand). VCF-style: chr3-196472743-T-C. GRCh37 (hg19) VCF-style: chr3-196199614-T-C.
Other names: c.792A>G (NM_152617.3).
Identifiers: ClinVar variation 1610368 (VCV001610368.10), dbSNP rs200100821, ClinGen allele CA2780796.

ClinVar aggregate classification (germline): Likely benign. Review status: criteria provided, single submitter (1 of 4 stars). 2 submissions from 2 submitters: Likely benign (1). 1 of the submissions does not count toward it. Last evaluated 2025-08-14.

Conditions:
RNF168-related disorder. Also called: RNF168-related condition.

Allele frequency attached by ClinVar (database versions not stated): gnomAD 0.00007 and 0.00010; ExAC 0.00015; gnomAD exomes 0.00015; TOPMed 0.00015; 1000 Genomes Project 30x 0.00031; 1000 Genomes Project 0.00040.
gnomAD v4.1: 119 of 1,610,700 alleles (0.0074%); highest among the groups gnomAD compares: East Asian, 0.14%; no homozygotes.

Submissions (2):

Labcorp Genetics (formerly Invitae), Labcorp
Classification: Likely benign. Last evaluated: 2025-08-14. Review status: criteria provided, single submitter. Criteria: Invitae Variant Classification Sherloc (09022015). Collection method: clinical testing. Allele origin: germline.

PreventionGenetics, part of Exact Sciences
Classification: Likely benign for RNF168-related condition. Last evaluated: 2019-08-09. Review status: no assertion criteria provided. Collection method: clinical testing. Allele origin: germline. Not counted in ClinVar's aggregate classification.
Comment: This variant is classified as likely benign based on ACMG/AMP sequence variant interpretation guidelines (Richards et al. 2015 PMID: 25741868, with internal and published modifications).